The following is an entry in ClinVar:

ClinVar aggregate classification (germline): Likely pathogenic (1 of 4 stars; one submission).

Submission:

Labcorp Genetics (formerly Invitae), Labcorp
Classification: Likely pathogenic. Last evaluated: 2024-08-14. Review status: criteria provided, single submitter. Criteria: Invitae Variant Classification Sherloc (09022015). Collection method: clinical testing. Allele origin: germline.
Comment: This sequence change replaces glycine, which is neutral and non-polar, with valine, which is neutral and non-polar, at codon 54 of the COL4A5 protein (p.Gly54Val). This variant is not present in population databases (gnomAD no frequency). This missense change has been observed in individual(s) with clinical features of Alport syndrome (Invitae). ClinVar contains an entry for this variant (Variation ID: 1347197). Invitae Evidence Modeling of protein sequence and biophysical properties (such as structural, functional, and spatial information, amino acid conservation, physicochemical variation, residue mobility, and thermodynamic stability) indicates that this missense variant is expected to disrupt COL4A5 protein function with a positive predictive value of 95%. This variant disrupts the triple helix domain of COL4A5. Glycine residues within the Gly-Xaa-Yaa repeats of the triple helix domain are required for the structure and stability of fibrillar collagens (PMID: 7695699, 8218237, 19344236). In COL4A5, missense variants at these glycine residues are significantly enriched in individuals with disease (PMID: 23720012, 27627812) compared to the general population (ExAC). This variant disrupts the p.Gly54 amino acid residue in COL4A5. Other variant(s) that disrupt this residue have been observed in individuals with COL4A5-related conditions (PMID: 8825605), which suggests that this may be a clinically significant amino acid residue. In summary, the currently available evidence indicates that the variant is pathogenic, but additional data are needed to prove that conclusively. Therefore, this variant has been classified as Likely Pathogenic.

Literature cited by the submitters: PubMed 7695699; PubMed 8218237; PubMed 19344236; PubMed 23720012; PubMed 27627812; PubMed 8825605.

NM_033380.3(COL4A5):c.161G>T (p.Gly54Val)

Gene: COL4A5 (collagen type IV alpha 5 chain; plus strand). Cytogenetic location: Xq22.3.
Variant type: single nucleotide variant.
Coding change: c.161G>T on transcript NM_033380.3 (MANE Select); coding-DNA position 161, G replaced by T.
Protein change: p.Gly54Val; replaces glycine 54 with valine.
Molecular consequence: missense variant.
Genome position (GRCh38, 1-based): chrX:108,559,083, G>T. VCF-style: chrX-108559083-G-T. GRCh37 (hg19) VCF-style: chrX-107802313-G-T.
Other names: c.161G>T, p.Gly54Val (NM_000495.5); short protein forms G54V.
Identifiers: ClinVar variation 1347197 (VCV001347197.6), dbSNP rs104886043, ClinGen allele CA413914096.
Genomic context (GRCh38, chrX:108,559,083, plus strand): 5'-ATTCACAAATGACCTTACCTTTCATTCTCATTTAATTGCAGGGAGAGAGAGGGTTTCCAG[G>T]TTTGGAAGGACACCCAGGATTGCCTGGATTTCCAGGTCCAGAAGGGCCTCCGGGGCCTCG-3'
Protein context (NP_203699.1, residues 44-64): KGEKGERGFP[Gly54Val]LEGHPGLPGF